The following is an entry in ClinVar:

ClinVar aggregate classification (germline): Uncertain significance (1 of 4 stars; one submission).

Conditions:
Pancreatic adenocarcinoma. Identifiers: MedGen C0281361, MONDO:0006047, HP:0006725.

Submission:

Labcorp Genetics (formerly Invitae), Labcorp
Classification: Uncertain significance for Pancreatic adenocarcinoma. Last evaluated: 2024-03-19. Review status: criteria provided, single submitter. Criteria: Invitae Variant Classification Sherloc (09022015). Collection method: clinical testing. Allele origin: germline.
Comment: This sequence change falls in intron 5 of the PALLD gene. It does not directly change the encoded amino acid sequence of the PALLD protein. It affects a nucleotide within the consensus splice site. This variant is not present in population databases (gnomAD no frequency). This variant has not been reported in the literature in individuals affected with PALLD-related conditions. Variants that disrupt the consensus splice site are a relatively common cause of aberrant splicing (PMID: 17576681, 9536098). Algorithms developed to predict the effect of sequence changes on RNA splicing suggest that this variant may disrupt the consensus splice site. In summary, the available evidence is currently insufficient to determine the role of this variant in disease. Therefore, it has been classified as a Variant of Uncertain Significance.

Literature cited by the submitters: PubMed 17576681; PubMed 9536098.

NM_001166108.2(PALLD):c.2472+5G>A

Genes: CBR4 (carbonyl reductase 4; minus strand), PALLD (palladin, cytoskeletal associated protein; plus strand). Cytogenetic location: 4q32.3.
Variant type: single nucleotide variant.
Coding change: c.2472+5G>A on transcript NM_001166108.2 (MANE Select); 5 bases into the intron after coding-DNA position 2472, G replaced by A.
Molecular consequence: intron variant.
Genome position (GRCh38, 1-based): chr4:168,898,719, G>A. VCF-style: chr4-168898719-G-A. GRCh37 (hg19) VCF-style: chr4-169819870-G-A.
Other names: c.2421+5G>A (NM_016081.4); c.1275+5G>A (NM_001166109.2); c.960+5G>A (NM_001166110.2); c.351+5G>A (NM_001367570.1, NM_001367568.1); c.300+5G>A (NM_001367567.1, NM_001367569.1).
Identifiers: ClinVar variation 3730493 (VCV003730493.2).
Genomic context (GRCh38, chr4:168,898,719, plus strand): 5'-TTGAGGGAATGCCAGTAACTTTCACATGTAGAGTGGCTGGAAATCCAAAGCCAAAGGTGA[G>A]CTGGGAGATGGAGGCTTTTTAAGAGTCATTCTCTGAGGAAAGGTTTAGCTTCCAAAACAT-3'